The following is an entry in ClinVar:

NM_004629.2(FANCG):c.743T>C (p.Val248Ala)

Gene: FANCG (FA complementation group G; minus strand). Cytogenetic location: 9p13.3.
Variant type: single nucleotide variant.
Coding change: c.743T>C on transcript NM_004629.2 (MANE Select); coding-DNA position 743, T replaced by C.
Protein change: p.Val248Ala; replaces valine 248 with alanine.
Molecular consequence: missense variant.
Genome position (GRCh38, 1-based): chr9:35,077,005, A>G on the plus strand (T>C on the coding strand, the complement: FANCG is on the minus strand). VCF-style: chr9-35077005-A-G. GRCh37 (hg19) VCF-style: chr9-35077002-A-G.
Other names: short protein forms V248A.
Identifiers: ClinVar variation 526409 (VCV000526409.8), dbSNP rs1221668009, ClinGen allele CA373313485.

ClinVar aggregate classification (germline): Uncertain significance. Review status: criteria provided, multiple submitters, no conflicts (2 of 4 stars). 3 submissions from 3 submitters: Uncertain significance (2). 1 of the submissions does not count toward it. Last evaluated 2025-05-27.

Conditions:
Inborn genetic diseases. Identifiers: MedGen C0950123, MeSH D030342.
Fanconi anemia (FA). Also called: Fanconi's anemia. Identifiers: Orphanet 84, MedGen C0015625, MeSH D005199, MONDO:0019391.
Fanconi anemia complementation group G. Also called: FANCG-Related Fanconi Anemia; Fanconi anemia group G. Identifiers: Orphanet 84, MedGen C3469527, MONDO:0013565, OMIM 614082.

Allele frequency attached by ClinVar (database versions not stated): gnomAD exomes below 0.00001.
gnomAD v4.1: 3 of 1,614,250 alleles (0.00019%); highest among the groups gnomAD compares: East Asian, 0.0045%; no homozygotes.

Submissions (3):

Ambry Genetics
Classification: Uncertain significance for Inborn genetic diseases. Last evaluated: 2025-05-27. Review status: criteria provided, single submitter. Criteria: Ambry Variant Classification Scheme 2023. Collection method: clinical testing. Allele origin: germline.
Comment: The p.V248A variant (also known as c.743T>C), located in coding exon 6 of the FANCG gene, results from a T to C substitution at nucleotide position 743. The valine at codon 248 is replaced by alanine, an amino acid with similar properties. This amino acid position is conserved. In addition, this alteration is predicted to be tolerated by in silico analysis. Based on the available evidence, the clinical significance of this variant remains unclear.

Labcorp Genetics (formerly Invitae), Labcorp
Classification: Uncertain significance for Fanconi anemia. Last evaluated: 2021-08-24. Review status: criteria provided, single submitter. Criteria: Invitae Variant Classification Sherloc (09022015). Collection method: clinical testing. Allele origin: germline.
Comment: This sequence change replaces valine with alanine at codon 248 of the FANCG protein (p.Val248Ala). The valine residue is moderately conserved and there is a small physicochemical difference between valine and alanine. This variant is not present in population databases (ExAC no frequency). This variant has not been reported in the literature in individuals affected with FANCG-related conditions. Algorithms developed to predict the effect of missense changes on protein structure and function are either unavailable or do not agree on the potential impact of this missense change (SIFT: "Tolerated"; PolyPhen-2: "Probably Damaging"; Align-GVGD: "Class C0"). In summary, the available evidence is currently insufficient to determine the role of this variant in disease. Therefore, it has been classified as a Variant of Uncertain Significance.

Natera, Inc.
Classification: Uncertain significance for Fanconi anemia group G. Last evaluated: 2020-12-09. Review status: no assertion criteria provided. Collection method: clinical testing. Allele origin: germline. Not counted in ClinVar's aggregate classification.